The following is an entry in ClinVar:

NM_000256.3(MYBPC3):c.655-7C>A

Gene: MYBPC3 (myosin binding protein C3; minus strand). Cytogenetic location: 11p11.2.
Variant type: single nucleotide variant.
Coding change: c.655-7C>A on transcript NM_000256.3 (MANE Select); 7 bases into the intron before coding-DNA position 655, C replaced by A.
Molecular consequence: intron variant.
Genome position (GRCh38, 1-based): chr11:47,348,548, G>T on the plus strand (C>A on the coding strand, the complement: MYBPC3 is on the minus strand). VCF-style: chr11-47348548-G-T. GRCh37 (hg19) VCF-style: chr11-47370099-G-T.
Identifiers: ClinVar variation 1171704 (VCV001171704.2), dbSNP rs2095896909, ClinGen allele CA2499220988.

ClinVar aggregate classification (germline): Uncertain significance (1 of 4 stars; one submission).

Conditions:
Cardiomyopathy (CMYO). Also called: Cardiomyopathies. Identifiers: Orphanet 167848, MedGen C0878544, MONDO:0004994, HP:0001638. Inheritance: Various modes of inheritance.

Submission:

Color Diagnostics, LLC DBA Color Health
Classification: Uncertain significance for Cardiomyopathy. Last evaluated: 2021-02-11. Review status: criteria provided, single submitter. Criteria: ACMG Guidelines, 2015. Collection method: clinical testing. Allele origin: germline.
Comment: This variant causes a C to A nucleotide substitution at the -7 position of intron 5 of the MYBPC3 gene. Splice site prediction tools are inconclusive regarding the impact of this variant on RNA splicing. To our knowledge, functional studies have not been reported for this variant. This variant has not been reported in individuals affected with cardiovascular disorders in the literature. This variant has not been identified in the general population by the Genome Aggregation Database (gnomAD). The available evidence is insufficient to determine the role of this variant in disease conclusively. Therefore, this variant is classified as a Variant of Uncertain Significance.